The following is an entry in ClinVar:

NM_001112741.2(KCNC1):c.1169G>T (p.Gly390Val)

Gene: KCNC1 (potassium voltage-gated channel subfamily C member 1; plus strand). Cytogenetic location: 11p15.1.
Variant type: single nucleotide variant.
Coding change: c.1169G>T on transcript NM_001112741.2 (MANE Select); coding-DNA position 1169, G replaced by T.
Protein change: p.Gly390Val; replaces glycine 390 with valine.
Molecular consequence: missense variant.
Genome position (GRCh38, 1-based): chr11:17,772,263, G>T. VCF-style: chr11-17772263-G-T. GRCh37 (hg19) VCF-style: chr11-17793810-G-T.
Other names: c.1169G>T, p.Gly390Val (NM_004976.4); short protein forms G390V.
Identifiers: ClinVar variation 1700902 (VCV001700902.3), dbSNP rs2133805341, ClinGen allele CA379808472.

ClinVar aggregate classification (germline): Uncertain significance (1 of 4 stars; one submission).

Submission:

GeneDx
Classification: Uncertain significance. Last evaluated: 2024-06-28. Review status: criteria provided, single submitter. Criteria: GeneDx Variant Classification Process June 2021. Collection method: clinical testing. Allele origin: germline. Affected: yes.
Comment: Not observed at significant frequency in large population cohorts (gnomAD); In silico analysis supports that this missense variant has a deleterious effect on protein structure/function; Has not been previously published as pathogenic or benign to our knowledge